The following is an entry in ClinVar:

NM_003000.3(SDHB):c.642+10T>C

Gene: SDHB (succinate dehydrogenase complex iron sulfur subunit B; minus strand). Cytogenetic location: 1p36.13.
Variant type: single nucleotide variant.
Coding change: c.642+10T>C on transcript NM_003000.3 (MANE Select); 10 bases into the intron after coding-DNA position 642, T replaced by C.
Molecular consequence: intron variant.
Genome position (GRCh38, 1-based): chr1:17,023,963, A>G on the plus strand (T>C on the coding strand, the complement: SDHB is on the minus strand). VCF-style: chr1-17023963-A-G. GRCh37 (hg19) VCF-style: chr1-17350458-A-G.
Identifiers: ClinVar variation 528755 (VCV000528755.12), dbSNP rs780427803, ClinGen allele CA089683.

ClinVar aggregate classification (germline): Likely benign. Review status: criteria provided, multiple submitters, no conflicts (2 of 4 stars). 3 submissions from 3 submitters: Likely benign (3). Last evaluated 2025-03-13.

Conditions:
Pheochromocytoma/paraganglioma syndrome 4. Also called: PARAGANGLIOMA, FAMILIAL MALIGNANT; PARAGANGLIOMAS, HEREDITARY EXTRAADRENAL; PHEOCHROMOCYTOMA, FAMILIAL EXTRAADRENAL; SDHB-Related Hereditary Paraganglioma-Pheochromocytoma Syndrome (Paragangliomas 4); SDHB-Related Hereditary Paraganglioma-Pheochromocytoma Syndrome; CAROTID BODY TUMORS AND MULTIPLE EXTRAADRENAL PHEOCHROMOCYTOMAS. Identifiers: Orphanet 29072, MedGen C1861848, MONDO:0007273, OMIM 115310.
Pheochromocytoma. Also called: MAX-Related Hereditary Paraganglioma-Pheochromocytoma Syndrome. Identifiers: Orphanet 29072, MedGen C0031511, MONDO:0008233, OMIM 171300, HP:0002666.
Gastrointestinal stromal tumor. Also called: Gastrointestinal stromal tumor, somatic; Gastrointestinal stroma tumor. Identifiers: Orphanet 44890, MedGen C0238198, MeSH D046152, MONDO:0011719, OMIM 606764, HP:0100723.

Allele frequency attached by ClinVar (database versions not stated): gnomAD exomes below 0.00001; ExAC 0.00001.
gnomAD v4.1: 2 of 1,596,024 alleles (0.00013%); highest among the groups gnomAD compares: South Asian, 0.0011%; no homozygotes.

Submissions (3):

Myriad Genetics, Inc.
Classification: Likely benign for Pheochromocytoma/paraganglioma syndrome 4. Last evaluated: 2025-03-13. Review status: criteria provided, single submitter. Criteria: Myriad Autosomal Dominant, Autosomal Recessive and X-Linked Classification Criteria (2023). Collection method: clinical testing. Allele origin: unknown.
Comment: This variant is considered likely benign. This variant is intronic and is not expected to impact mRNA splicing.

Labcorp Genetics (formerly Invitae), Labcorp
Classification: Likely benign for Gastrointestinal stromal tumor; Pheochromocytoma/paraganglioma syndrome 4; Pheochromocytoma. Last evaluated: 2024-09-02. Review status: criteria provided, single submitter. Criteria: Invitae Variant Classification Sherloc (09022015). Collection method: clinical testing. Allele origin: germline.

Blueprint Genetics
Classification: Likely benign. Last evaluated: 2023-06-08. Review status: criteria provided, single submitter. Criteria: ACMG Guidelines, 2015. Collection method: clinical testing. Allele origin: germline.